The following is an entry in ClinVar:

ClinVar aggregate classification (germline): Pathogenic (1 of 4 stars; one submission).

Conditions:
Hereditary spherocytosis type 1. Also called: Spherocytosis type 1; ANK1-Related Spherocytosis. Identifiers: Orphanet 822, MedGen C2674218, MONDO:0008447, OMIM 182900.

Submission:

ARUP Laboratories, Molecular Genetics and Genomics, ARUP Laboratories
Classification: Pathogenic for Hereditary spherocytosis type 1. Last evaluated: 2023-03-28. Review status: criteria provided, single submitter. Criteria: ARUP Molecular Germline Variant Investigation Process 2024. Collection method: clinical testing. Allele origin: germline.
Comment: The ANK1 c.1438del; p.Ile480SerfsTer7 variant, to our knowledge, is not reported in the medical literature or gene specific databases. The variant is also absent from Genome Aggregation Database, indicating it is not a common polymorphism. This variant causes a frameshift by deleting a single nucleotide, so it is predicted to result in a truncated protein or mRNA subject to nonsense-mediated decay. Additionally, several downstream truncating variants have been described in individuals with spherocytosis and are considered pathogenic (selected references: Fermo 2021, Choi 2019, Tole 2020). Based on available information, the clinical significance of this variant is considered to be pathogenic. REFERENCES Choi HS et al. Molecular diagnosis of hereditary spherocytosis by multi-gene target sequencing in Korea: matching with osmotic fragility test and presence of spherocyte. Orphanet J Rare Dis. 2019 May 23. PMID: 31122244 Fermo E et al. Targeted Next Generation Sequencing and Diagnosis of Congenital Hemolytic Anemias: A Three Years Experience Monocentric Study. Front Physiol. 2021 PMID: 34093240 Tole S et al. Genotype-phenotype correlation in children with hereditary spherocytosis. Br J Haematol. 2020 Nov. PMID: 32436265

NM_000037.4(ANK1):c.1438del (p.Ile480fs)

Gene: ANK1 (ankyrin 1; minus strand). Cytogenetic location: 8p11.21.
Variant type: Deletion.
Coding change: c.1438del on transcript NM_000037.4 (MANE Select); coding-DNA position 1438, one base deleted (A; older notation c.1438delA).
Protein change: p.Ile480fs; shifts the reading frame from isoleucine 480.
Molecular consequence: frameshift variant.
Genome position (GRCh38, 1-based): chr8:41,715,816, T deleted on the plus strand (A on the coding strand, the reverse complement: ANK1 is on the minus strand). VCF-style (leftmost placement, unchanged base first): chr8-41715815-AT-A. GRCh37 (hg19) VCF-style: chr8-41573333-AT-A.
Other names: c.1537del, p.Ile513fs (NM_001142446.2); c.1438del, p.Ile480fs (NM_020475.3, NM_020476.3, NM_020477.3); short protein forms I480fs, I513fs.
Identifiers: ClinVar variation 2920926 (VCV002920926.1), dbSNP rs2486915070, ClinGen allele CA2739279846.